The following is an entry in ClinVar:

NM_000284.4(PDHA1):c.463A>T (p.Met155Leu)

Gene: PDHA1 (pyruvate dehydrogenase E1 subunit alpha 1; plus strand). Cytogenetic location: Xp22.12.
Variant type: single nucleotide variant.
Coding change: c.463A>T on transcript NM_000284.4 (MANE Select); coding-DNA position 463, A replaced by T.
Protein change: p.Met155Leu; replaces methionine 155 with leucine.
Molecular consequence: missense variant.
Genome position (GRCh38, 1-based): chrX:19,353,126, A>T. VCF-style: chrX-19353126-A-T. GRCh37 (hg19) VCF-style: chrX-19371244-A-T.
Other names: p.M155L:ATG>TTG; c.577A>T, p.Met193Leu (NM_001173454.2); c.484A>T, p.Met162Leu (NM_001173455.2); c.463A>T, p.Met155Leu (NM_001173456.2); short protein forms M155L, M193L, M162L.
Identifiers: ClinVar variation 214943 (VCV000214943.2), dbSNP rs863224152, ClinGen allele CA321384.

ClinVar aggregate classification (germline): Uncertain significance (1 of 4 stars; one submission).

Submission:

GeneDx
Classification: Uncertain significance. Last evaluated: 2014-06-03. Review status: criteria provided, single submitter. Criteria: GeneDx Variant Classification (06012015). Collection method: clinical testing. Allele origin: germline. Affected: yes.
Comment: p.Met155Leu (ATG>TTG): c.463 A>T in exon 5 of the PDHA1 gene (NM_000284.3) A variant of unknown significance has been identified in the PDHA1 gene. The M155L variant has not been published as a mutation, nor has it been reported as a benign polymorphism to our knowledge. The M155L variant was not observed in approximately 6500 individuals of European and African American ancestry in the NHLBI Exome Sequencing Project, indicating it is not a common benign variant in these populations. The M155L variant is a conservative amino acid substitution, which is not likely to impact secondary protein structure as these residues share similar properties. This substitution occurs at a position that is conserved across species. In silico analysis is inconsistent in its predictions as to whether or not the variant is damaging to the protein structure/function. Therefore, based on the currently available information, it is unclear whether this variant is a pathogenic mutation or a rare benign variant. The variant is found in MITONUC-MITOP panel(s).